The following is an entry in ClinVar:

ClinVar aggregate classification (germline): Uncertain significance (1 of 4 stars; one submission).

Conditions:
Hypertrophic cardiomyopathy. Also called: HYPERTROPHIC MYOCARDIOPATHY. Identifiers: Orphanet 217569, MedGen C0007194, MeSH D002312, MONDO:0005045, HP:0001639.

Submission:

Labcorp Genetics (formerly Invitae), Labcorp
Classification: Uncertain significance for Hypertrophic cardiomyopathy. Last evaluated: 2024-03-19. Review status: criteria provided, single submitter. Criteria: Invitae Variant Classification Sherloc (09022015). Collection method: clinical testing. Allele origin: germline.
Comment: This sequence change replaces arginine, which is basic and polar, with serine, which is neutral and polar, at codon 1241 of the MYBPC3 protein (p.Arg1241Ser). This variant is not present in population databases (gnomAD no frequency). This variant has not been reported in the literature in individuals affected with MYBPC3-related conditions. An algorithm developed to predict the effect of missense changes on protein structure and function (PolyPhen-2) suggests that this variant is likely to be disruptive. In summary, the available evidence is currently insufficient to determine the role of this variant in disease. Therefore, it has been classified as a Variant of Uncertain Significance.

NM_000256.3(MYBPC3):c.3723A>T (p.Arg1241Ser)

Gene: MYBPC3 (myosin binding protein C3; minus strand). Cytogenetic location: 11p11.2.
Variant type: single nucleotide variant.
Coding change: c.3723A>T on transcript NM_000256.3 (MANE Select); coding-DNA position 3723, A replaced by T.
Protein change: p.Arg1241Ser; replaces arginine 1241 with serine.
Molecular consequence: missense variant.
Genome position (GRCh38, 1-based): chr11:47,332,163, T>A on the plus strand (A>T on the coding strand, the complement: MYBPC3 is on the minus strand). VCF-style: chr11-47332163-T-A. GRCh37 (hg19) VCF-style: chr11-47353714-T-A.
Other names: short protein forms R1241S.
Identifiers: ClinVar variation 3645765 (VCV003645765.2).